The following is an entry in ClinVar:

NM_177550.5(SLC13A5):c.1042G>A (p.Glu348Lys)

Gene: SLC13A5 (solute carrier family 13 member 5; minus strand). Cytogenetic location: 17p13.1.
Variant type: single nucleotide variant.
Coding change: c.1042G>A on transcript NM_177550.5 (MANE Select); coding-DNA position 1042, G replaced by A.
Protein change: p.Glu348Lys; replaces glutamic acid 348 with lysine.
Molecular consequence: missense variant.
Genome position (GRCh38, 1-based): chr17:6,695,739, C>T on the plus strand (G>A on the coding strand, the complement: SLC13A5 is on the minus strand). VCF-style: chr17-6695739-C-T. GRCh37 (hg19) VCF-style: chr17-6599058-C-T.
Other names: c.1042G>A, p.Glu348Lys (NM_001143838.3); c.991G>A, p.Glu331Lys (NM_001284509.2); c.913G>A, p.Glu305Lys (NM_001284510.2); short protein forms E348K, E331K, E305K.
Identifiers: ClinVar variation 423842 (VCV000423842.2), dbSNP rs1064796653, ClinGen allele CA16620585.

ClinVar aggregate classification (germline): Uncertain significance (1 of 4 stars; one submission).

Allele frequency attached by ClinVar (database versions not stated): gnomAD exomes below 0.00001.
gnomAD v4.1: 1 of 1,614,154 alleles (0.000062%); highest among the groups gnomAD compares: Non-Finnish European, 0.000085%; no homozygotes.

Submission:

GeneDx
Classification: Uncertain significance. Last evaluated: 2017-03-03. Review status: criteria provided, single submitter. Criteria: GeneDx Variant Classification (06012015). Collection method: clinical testing. Allele origin: germline. Affected: yes.
Comment: The E348K variant in the SLC13A5 gene has not been reported previously as a pathogenic variant, nor as a benign variant, to our knowledge. The E348K variant is not observed in large population cohorts (Lek et al., 2016; 1000 Genomes Consortium et al., 2015; Exome Variant Server). The E348K variant is a non-conservative amino acid substitution, which is likely to impact secondary protein structure as these residues differ in polarity, charge, size and/or other properties. However, this substitution occurs at a position that is not conserved, and in silico analysis is inconsistent in its predictions as to whether or not the variant is damaging to the protein structure/function. We interpret E348K as a variant of uncertain significance.